The following is an entry in ClinVar:

ClinVar aggregate classification (germline): Uncertain significance (1 of 4 stars; one submission).

Conditions:
Vesicoureteral reflux 3 (VUR3). Identifiers: Orphanet 289365, MedGen C3150927, MONDO:0013356, OMIM 613674.

Submission:

Johns Hopkins Genomics, Johns Hopkins University
Classification: Uncertain significance for Vesicoureteral reflux 3. Last evaluated: 2024-08-16. Review status: criteria provided, single submitter. Criteria: ACMG Guidelines, 2015. Collection method: clinical testing. Allele origin: germline.
Comment: This SOX17 missense variant is absent from a large population dataset and has not been reported in ClinVar, nor the literature, to our knowledge. Of two bioinformatics tools queried, one predicts that the substitution would be damaging, while the other predicts that it would be tolerated. The tyrosine residue at this position is evolutionarily conserved across many of the species assessed, but a few have a different amino acid including six species with serine. We consider the clinical significance of c.758A>C in SOX17 to be uncertain at this time.

Literature cited by the submitters: PubMed 30029678.

NM_022454.4(SOX17):c.758A>C (p.Tyr253Ser)

Gene: SOX17 (SRY-box transcription factor 17; plus strand). Cytogenetic location: 8q11.23.
Variant type: single nucleotide variant.
Coding change: c.758A>C on transcript NM_022454.4 (MANE Select); coding-DNA position 758, A replaced by C.
Protein change: p.Tyr253Ser; replaces tyrosine 253 with serine.
Molecular consequence: missense variant.
Genome position (GRCh38, 1-based): chr8:54,459,508, A>C. VCF-style: chr8-54459508-A-C. GRCh37 (hg19) VCF-style: chr8-55372068-A-C.
Other names: short protein forms Y253S.
Identifiers: ClinVar variation 4280038 (VCV004280038.1).